The following is an entry in ClinVar:

NM_003872.3(NRP2):c.860G>A (p.Arg287Gln)

Gene: NRP2 (neuropilin 2; plus strand). Cytogenetic location: 2q33.3.
Variant type: single nucleotide variant.
Coding change: c.860G>A on transcript NM_003872.3 (MANE Select); coding-DNA position 860, G replaced by A.
Protein change: p.Arg287Gln; replaces arginine 287 with glutamine.
Molecular consequence: missense variant.
Genome position (GRCh38, 1-based): chr2:205,725,952, G>A. VCF-style: chr2-205725952-G-A. GRCh37 (hg19) VCF-style: chr2-206590676-G-A.
Other names: c.860G>A, p.Arg287Gln (NM_018534.4, NM_201264.2, NM_201266.2 and 2 more transcripts); short protein forms R287Q.
Identifiers: ClinVar variation 791885 (VCV000791885.7), dbSNP rs114305456, ClinGen allele CA2068945.

ClinVar aggregate classification (germline): Benign. Review status: criteria provided, multiple submitters, no conflicts (2 of 4 stars). 3 submissions from 3 submitters: Benign (2). 1 of the submissions does not count toward it. Last evaluated 2019-12-31.

Conditions:
NRP2-related disorder. Also called: NRP2-related condition.

Allele frequency attached by ClinVar (database versions not stated): gnomAD exomes 0.00037 and 0.00086; ExAC 0.00106; gnomAD 0.00341 and 0.00362; ESP Exome Variant Server 0.00346; TOPMed 0.00368; 1000 Genomes Project 30x 0.00375; 1000 Genomes Project 0.00379.

Submissions (3):

Labcorp Genetics (formerly Invitae), Labcorp
Classification: Benign. Last evaluated: 2019-12-31. Review status: criteria provided, single submitter. Criteria: Invitae Variant Classification Sherloc (09022015). Collection method: clinical testing. Allele origin: germline.

Breakthrough Genomics
Classification: Benign. Review status: criteria provided, single submitter. Criteria: ACMG Guidelines, 2015. Collection method: not provided. Allele origin: germline. Inheritance: Unknown mechanism. Affected: yes.

PreventionGenetics, part of Exact Sciences
Classification: Benign for NRP2-related condition. Last evaluated: 2024-01-24. Review status: no assertion criteria provided. Collection method: clinical testing. Allele origin: germline. Not counted in ClinVar's aggregate classification.
Comment: This variant is classified as benign based on ACMG/AMP sequence variant interpretation guidelines (Richards et al. 2015 PMID: 25741868, with internal and published modifications).